The following is an entry in ClinVar:

NM_001292063.2(OTOG):c.4629C>T (p.Ala1543=)

Gene: OTOG (otogelin; plus strand). Cytogenetic location: 11p15.1.
Variant type: single nucleotide variant.
Coding change: c.4629C>T on transcript NM_001292063.2 (MANE Select); coding-DNA position 4629, C replaced by T.
Protein change: p.Ala1543=; no amino-acid change (alanine 1543 retained).
Molecular consequence: synonymous variant.
Genome position (GRCh38, 1-based): chr11:17,609,929, C>T. VCF-style: chr11-17609929-C-T. GRCh37 (hg19) VCF-style: chr11-17631476-C-T.
Other names: c.4665C>T, p.Ala1555= (NM_001277269.2); c.4665C>T (NM_001277269.1).
Identifiers: ClinVar variation 1559326 (VCV001559326.32), dbSNP rs547273913, ClinGen allele CA5905860.

ClinVar aggregate classification (germline): Likely benign. Review status: criteria provided, multiple submitters, no conflicts (2 of 4 stars). 3 submissions from 3 submitters: Likely benign (2). 1 of the submissions does not count toward it. Last evaluated 2022-10-05.

Conditions:
OTOG-related disorder. Also called: OTOG-related condition.

Allele frequency attached by ClinVar (database versions not stated): gnomAD exomes 0.00011; TOPMed 0.00015; ExAC 0.00029.
gnomAD v4.1: 199 of 1,530,088 alleles (0.013%); highest among the groups gnomAD compares: African/African-American, 0.022%; 1 homozygote.

Submissions (3):

Labcorp Genetics (formerly Invitae), Labcorp
Classification: Likely benign. Last evaluated: 2022-10-05. Review status: criteria provided, single submitter. Criteria: Invitae Variant Classification Sherloc (09022015). Collection method: clinical testing. Allele origin: germline.

CeGaT Center for Human Genetics Tuebingen
Classification: Likely benign. Last evaluated: 2022-06-01. Review status: criteria provided, single submitter. Criteria: CeGaT Center For Human Genetics Tuebingen Variant Classification Criteria Version 2. Collection method: clinical testing. Allele origin: germline. Affected: yes. Observed: 1 variant allele.
Comment: OTOG: BP4, BP7

PreventionGenetics, part of Exact Sciences
Classification: Likely benign for OTOG-related condition. Last evaluated: 2019-03-01. Review status: no assertion criteria provided. Collection method: clinical testing. Allele origin: germline. Not counted in ClinVar's aggregate classification.
Comment: This variant is classified as likely benign based on ACMG/AMP sequence variant interpretation guidelines (Richards et al. 2015 PMID: 25741868, with internal and published modifications).